The following is an entry in ClinVar:

ClinVar aggregate classification (germline): Uncertain significance (1 of 4 stars; one submission).

Conditions:
Cardiovascular phenotype. Identifiers: MedGen CN230736.

Submission:

Ambry Genetics
Classification: Uncertain significance for Cardiovascular phenotype. Last evaluated: 2024-06-17. Review status: criteria provided, single submitter. Criteria: Ambry Variant Classification Scheme 2023. Collection method: clinical testing. Allele origin: germline.
Comment: The p.P235R variant (also known as c.704C>G), located in coding exon 1 of the FOXE3 gene, results from a C to G substitution at nucleotide position 704. The proline at codon 235 is replaced by arginine, an amino acid with dissimilar properties. This amino acid position is conserved. In addition, this alteration is predicted to be tolerated by in silico analysis. Based on the available evidence, the clinical significance of this variant remains unclear.

NM_012186.3(FOXE3):c.704C>G (p.Pro235Arg)

Genes: FOXE3 (forkhead box E3; plus strand), LINC01389 (long intergenic non-protein coding RNA 1389; minus strand). Cytogenetic location: 1p33.
Variant type: single nucleotide variant.
Coding change: c.704C>G on transcript NM_012186.3 (MANE Select); coding-DNA position 704, C replaced by G.
Protein change: p.Pro235Arg; replaces proline 235 with arginine.
Molecular consequence: missense variant.
Genome position (GRCh38, 1-based): chr1:47,417,019, C>G. VCF-style: chr1-47417019-C-G. GRCh37 (hg19) VCF-style: chr1-47882691-C-G.
Other names: short protein forms P235R.
Identifiers: ClinVar variation 3279573 (VCV003279573.1).